The following is an entry in ClinVar:

NM_001048174.2(MUTYH):c.874T>A (p.Ser292Thr)

Gene: MUTYH (mutY DNA glycosylase; minus strand). Cytogenetic location: 1p34.1.
Variant type: single nucleotide variant.
Coding change: c.874T>A on transcript NM_001048174.2 (MANE Select); coding-DNA position 874, T replaced by A.
Protein change: p.Ser292Thr; replaces serine 292 with threonine.
Molecular consequence: missense variant. On other transcripts: non-coding transcript variant (7).
Genome position (GRCh38, 1-based): chr1:45,332,062, A>T on the plus strand (T>A on the coding strand, the complement: MUTYH is on the minus strand). VCF-style: chr1-45332062-A-T. GRCh37 (hg19) VCF-style: chr1-45797734-A-T.
Other names: c.874T>A, p.Ser292Thr (NM_001048173.2, NM_001407088.1, NM_001407089.1 and 6 more transcripts); c.919T>A, p.Ser307Thr (NM_001293190.2); c.907T>A, p.Ser303Thr (NM_001293191.2, NM_001407069.1, NM_001407077.1); c.958T>A, p.Ser320Thr (NM_001128425.2); c.877T>A, p.Ser293Thr (NM_001407086.1, NM_001407078.1, NM_001407071.1 and 1 more transcripts); c.895T>A, p.Ser299Thr (NM_001407087.1); c.598T>A, p.Ser200Thr (NM_001407091.1, NM_001293192.2, NM_001293196.2); c.949T>A, p.Ser317Thr (NM_012222.3); and 5 more; short protein forms S200T, S292T, S293T, S303T, S317T, S177T, S264T, S307T.
Identifiers: ClinVar variation 4113952 (VCV004113952.1).
Genomic context (GRCh38, chr1:45,332,062, plus strand): 5'-GGGGCTAGGTTTGGTGCTCACCACACTCCTCCACGTCAGGACTGCCCGACAGGCTCCCTG[A>T]GGCTAAGAGCTGTTCCTGCTCCACCTGAGAGGCACAGGGTTGAGTGTCATAGGGCAGAGT-3'
Protein context (NP_001041639.1, residues 282-302): QRVEQEQLLA[Ser292Thr]GSLSGSPDVE

ClinVar aggregate classification (germline): Uncertain significance (1 of 4 stars; one submission).

Conditions:
Hereditary cancer-predisposing syndrome. Also called: Hereditary neoplastic syndrome; Neoplastic Syndromes, Hereditary; Tumor predisposition; Hereditary Cancer Syndrome. Identifiers: Orphanet 140162, MedGen C0027672, MeSH D009386, MONDO:0015356.

Submission:

Ambry Genetics
Classification: Uncertain significance for Hereditary cancer-predisposing syndrome. Last evaluated: 2025-08-27. Review status: criteria provided, single submitter. Criteria: Ambry Variant Classification Scheme 2023. Collection method: clinical testing. Allele origin: germline.
Comment: The p.S320T variant (also known as c.958T>A), located in coding exon 11 of the MUTYH gene, results from a T to A substitution at nucleotide position 958. The serine at codon 320 is replaced by threonine, an amino acid with similar properties. This amino acid position is conserved. In addition, this alteration is predicted to be tolerated by in silico analysis. Based on the available evidence, the clinical significance of this variant remains unclear.